The following is an entry in ClinVar:

ClinVar aggregate classification (germline): Uncertain significance (1 of 4 stars; one submission).

Conditions:
Hypertrophic cardiomyopathy. Also called: HYPERTROPHIC MYOCARDIOPATHY. Identifiers: Orphanet 217569, MedGen C0007194, MeSH D002312, MONDO:0005045, HP:0001639.

Submission:

Labcorp Genetics (formerly Invitae), Labcorp
Classification: Uncertain significance for Hypertrophic cardiomyopathy. Last evaluated: 2023-01-30. Review status: criteria provided, single submitter. Criteria: Invitae Variant Classification Sherloc (09022015). Collection method: clinical testing. Allele origin: germline.
Comment: In summary, the available evidence is currently insufficient to determine the role of this variant in disease. Therefore, it has been classified as a Variant of Uncertain Significance. Algorithms developed to predict the effect of missense changes on protein structure and function are either unavailable or do not agree on the potential impact of this missense change (SIFT: "Deleterious"; PolyPhen-2: "Not Available"; Align-GVGD: "Class C0"). This variant has not been reported in the literature in individuals affected with MYL3-related conditions. This variant is not present in population databases (gnomAD no frequency). This sequence change replaces aspartic acid, which is acidic and polar, with tyrosine, which is neutral and polar, at codon 11 of the MYL3 protein (p.Asp11Tyr).

NM_000258.3(MYL3):c.31G>T (p.Asp11Tyr)

Gene: MYL3 (myosin light chain 3; minus strand). Cytogenetic location: 3p21.31.
Variant type: single nucleotide variant.
Coding change: c.31G>T on transcript NM_000258.3 (MANE Select); coding-DNA position 31, G replaced by T.
Protein change: p.Asp11Tyr; replaces aspartic acid 11 with tyrosine.
Molecular consequence: missense variant.
Genome position (GRCh38, 1-based): chr3:46,863,360, C>A on the plus strand (G>T on the coding strand, the complement: MYL3 is on the minus strand). VCF-style: chr3-46863360-C-A. GRCh37 (hg19) VCF-style: chr3-46904850-C-A.
Other names: c.31G>T, p.Asp11Tyr (NM_001406937.1, NM_001406938.1, NM_001406939.1); short protein forms D11Y.
Identifiers: ClinVar variation 2832901 (VCV002832901.3), dbSNP rs1326582665, ClinGen allele CA352499865.